The following is an entry in ClinVar:

NM_001371727.1(GABRB2):c.926T>C (p.Leu309Pro)

Gene: GABRB2 (gamma-aminobutyric acid type A receptor subunit beta2; minus strand). Cytogenetic location: 5q34.
Variant type: single nucleotide variant.
Coding change: c.926T>C on transcript NM_001371727.1 (MANE Select); coding-DNA position 926, T replaced by C.
Protein change: p.Leu309Pro; replaces leucine 309 with proline.
Molecular consequence: missense variant.
Genome position (GRCh38, 1-based): chr5:161,331,034, A>G on the plus strand (T>C on the coding strand, the complement: GABRB2 is on the minus strand). VCF-style: chr5-161331034-A-G. GRCh37 (hg19) VCF-style: chr5-160758041-A-G.
Other names: c.926T>C, p.Leu309Pro (NM_000813.3, NM_021911.3); short protein forms L309P.
Identifiers: ClinVar variation 2656019 (VCV002656019.24), dbSNP rs2546555594, ClinGen allele CA362175321.

ClinVar aggregate classification (germline): Uncertain significance (1 of 4 stars; one submission).

Submission:

CeGaT Center for Human Genetics Tuebingen
Classification: Uncertain significance. Last evaluated: 2023-07-01. Review status: criteria provided, single submitter. Criteria: CeGaT Center For Human Genetics Tuebingen Variant Classification Criteria Version 2. Collection method: clinical testing. Allele origin: germline. Affected: yes. Observed: 1 variant allele.
Comment: GABRB2: PM2, PP2, PP3